The following is an entry in ClinVar:

ClinVar aggregate classification (germline): Pathogenic (1 of 4 stars; one submission).

Conditions:
Polycystic kidney disease, adult type (PKD1). Also called: POLYCYSTIC KIDNEY DISEASE 1 WITH OR WITHOUT POLYCYSTIC LIVER DISEASE; Polycystic Kidney Disease 1, Autosomal Dominant; Polycystic kidney disease 1; Polycystic kidney disease 1, severe; Polycystic Kidney, Autosomal Dominant; POLYCYSTIC KIDNEY DISEASE, ADULT, TYPE I. Identifiers: MedGen C3149841, MONDO:0008263, OMIM 173900.

Submission:

Cavalleri Lab, Royal College of Surgeons in Ireland
Classification: Pathogenic for Polycystic kidney disease, adult type. Last evaluated: 2020-02-05. Review status: criteria provided, single submitter. Criteria: ACMG Guidelines, 2015. Collection method: research. Allele origin: unknown. Inheritance: Autosomal dominant inheritance. Affected: yes.
Comment: PVS1, PM2, PP4

NM_001009944.3(PKD1):c.11377_11395dup (p.Ala3799fs)

Genes: PKD1 (polycystin 1, transient receptor potential channel interacting; minus strand), PKD1-AS1 (PKD1 antisense RNA 1; plus strand). Cytogenetic location: 16p13.3.
Variant type: Duplication.
Coding change: c.11377_11395dup on transcript NM_001009944.3 (MANE Select); coding-DNA positions 11377 to 11395, 19 bases duplicated (GGGACGTGGGCCTATTCAG).
Protein change: p.Ala3799fs; shifts the reading frame from alanine 3799.
Molecular consequence: frameshift variant.
Genome position (GRCh38, 1-based): chr16:2,092,063-2,092,081, CTGAATAGGCCCACGTCCC duplicated on the plus strand (GGGACGTGGGCCTATTCAG on the coding strand, the reverse complement: PKD1 is on the minus strand); duplicating any 19 consecutive bases within chr16:2,092,063-2,092,082 gives the same sequence; the c. name uses the placement nearest the transcript's 3' end. VCF-style (leftmost placement, unchanged base first): chr16-2092062-G-GCTGAATAGGCCCACGTCCC. GRCh37 (hg19) VCF-style: chr16-2142063-G-GCTGAATAGGCCCACGTCCC.
Other names: c.11374_11392dup, p.Ala3798fs (NM_000296.4); c.11395_11396insGGGACGTGGGCCTATTCAG (NM_001009944.3); short protein forms A3799fs, A3798fs.
Identifiers: ClinVar variation 873349 (VCV000873349.1), dbSNP rs2091614437, ClinGen allele CA1139664273.